The following is an entry in ClinVar:

ClinVar aggregate classification (germline): Pathogenic (1 of 4 stars; one submission).

Conditions:
Blepharophimosis, ptosis, and epicanthus inversus syndrome. Identifiers: Orphanet 126, MedGen C0220663, MONDO:0007201, OMIM 110100.

Submission:

Genomic Diagnostic Laboratory, Division of Genomic Diagnostics, Children's Hospital of Philadelphia
Classification: Pathogenic for Blepharophimosis, ptosis, and epicanthus inversus syndrome. Last evaluated: 2016-11-03. Review status: criteria provided, single submitter. Criteria: DGD Variant Analysis Guidelines. Collection method: clinical testing. Allele origin: germline. Affected: yes. Observed: 1 variant allele.
Comment: Clinical Testing

NM_023067.4(FOXL2):c.618del (p.Pro207fs)

Gene: FOXL2 (forkhead box L2; minus strand). Cytogenetic location: 3q22.3.
Variant type: Deletion.
Coding change: c.618del on transcript NM_023067.4 (MANE Select); coding-DNA position 618, one base deleted (A; older notation c.618delA).
Protein change: p.Pro207fs; shifts the reading frame from proline 207.
Molecular consequence: frameshift variant.
Genome position (GRCh38, 1-based): chr3:138,946,105, T deleted on the plus strand (A on the coding strand, the reverse complement: FOXL2 is on the minus strand). VCF-style (leftmost placement, unchanged base first): chr3-138946104-GT-G. GRCh37 (hg19) VCF-style: chr3-138664946-GT-G.
Other names: short protein forms P207fs.
Identifiers: ClinVar variation 369916 (VCV000369916.1), dbSNP rs1057516165, ClinGen allele CA10654878.